The following is an entry in ClinVar:

ClinVar aggregate classification (germline): Likely benign (1 of 4 stars; one submission).

Allele frequency attached by ClinVar (database versions not stated): gnomAD exomes 0.00001; ExAC 0.00002.
gnomAD v4.1: 12 of 1,569,422 alleles (0.00076%); highest among the groups gnomAD compares: Non-Finnish European, 0.001%; no homozygotes.

Submission:

CeGaT Center for Human Genetics Tuebingen
Classification: Likely benign. Last evaluated: 2023-10-01. Review status: criteria provided, single submitter. Criteria: CeGaT Center For Human Genetics Tuebingen Variant Classification Criteria Version 2. Collection method: clinical testing. Allele origin: germline. Affected: yes. Observed: 1 variant allele.
Comment: NPM1: BP4, BP7

NM_002520.7(NPM1):c.90C>T (p.His30=)

Gene: NPM1 (nucleophosmin 1; plus strand). Cytogenetic location: 5q35.1.
Variant type: single nucleotide variant.
Coding change: c.90C>T on transcript NM_002520.7 (MANE Select); coding-DNA position 90, C replaced by T.
Protein change: p.His30=; no amino-acid change (histidine 30 retained).
Molecular consequence: synonymous variant. On other transcripts: non-coding transcript variant (1), intron variant (2).
Genome position (GRCh38, 1-based): chr5:171,390,082, C>T. VCF-style: chr5-171390082-C-T. GRCh37 (hg19) VCF-style: chr5-170817086-C-T.
Other names: c.90C>T, p.His30= (NM_001037738.3, NM_001355006.2, NM_001355009.2 and 1 more transcripts); c.-54-1223C>T (NM_001355007.2); c.58+2076C>T (NM_001355010.2).
Identifiers: ClinVar variation 2656074 (VCV002656074.24), dbSNP rs773970096, ClinGen allele CA3558474.